The following is an entry in ClinVar:

NM_021096.4(CACNA1I):c.6656G>A (p.Ser2219Asn)

Gene: CACNA1I (calcium voltage-gated channel subunit alpha1 I; plus strand). Cytogenetic location: 22q13.1.
Variant type: single nucleotide variant.
Coding change: c.6656G>A on transcript NM_021096.4 (MANE Select); coding-DNA position 6656, G replaced by A.
Protein change: p.Ser2219Asn; replaces serine 2219 with asparagine.
Molecular consequence: missense variant.
Genome position (GRCh38, 1-based): chr22:39,686,389, G>A. VCF-style: chr22-39686389-G-A. GRCh37 (hg19) VCF-style: chr22-40082394-G-A.
Other names: c.6551G>A, p.Ser2184Asn (NM_001003406.2); short protein forms S2184N, S2219N.
Identifiers: ClinVar variation 3372453 (VCV003372453.2).

ClinVar aggregate classification (germline): Uncertain significance (1 of 4 stars; one submission).

gnomAD v4.1: 2 of 1,287,372 alleles (0.00016%); highest among the groups gnomAD compares: South Asian, 0.0021%; no homozygotes.

Submission:

GeneDx
Classification: Uncertain significance. Last evaluated: 2024-11-27. Review status: criteria provided, single submitter. Criteria: GeneDx Variant Classification Process June 2021. Collection method: clinical testing. Allele origin: germline. Affected: yes.
Comment: Not observed at significant frequency in large population cohorts (gnomAD); In silico analysis indicates that this missense variant does not alter protein structure/function; Has not been previously published as pathogenic or benign to our knowledge